The following is an entry in ClinVar:

NM_001166114.2(PNPLA6):c.1096G>C (p.Ala366Pro)

Gene: PNPLA6 (patatin like domain 6, lysophospholipase; plus strand). Cytogenetic location: 19p13.2.
Variant type: single nucleotide variant.
Coding change: c.1096G>C on transcript NM_001166114.2 (MANE Select); coding-DNA position 1096, G replaced by C.
Protein change: p.Ala366Pro; replaces alanine 366 with proline.
Molecular consequence: missense variant.
Genome position (GRCh38, 1-based): chr19:7,541,612, G>C. VCF-style: chr19-7541612-G-C. GRCh37 (hg19) VCF-style: chr19-7606498-G-C.
Other names: p.Ala327Pro; c.1123G>C, p.Ala375Pro (NM_001166111.2); c.979G>C, p.Ala327Pro (NM_001166112.2, NM_001166113.1, NM_006702.5); short protein forms A327P, A366P, A375P.
Identifiers: ClinVar variation 954647 (VCV000954647.22), dbSNP rs533164657, ClinGen allele CA9139671.
Genomic context (GRCh38, chr19:7,541,612, plus strand): 5'-CCCGGCCTCCCAACTCGCACCAGCCCTGTGCGGGGCTCCAAGAGAATGGTCAGCACCTCA[G>C]CTACAGACGAGCCCAGGGAGACCCCAGGGCGGCCACCCGATCCCACCGGGGCCCCGCTGC-3'
Protein context (NP_001159586.1, residues 356-376): RGSKRMVSTS[Ala366Pro]TDEPRETPGR

ClinVar aggregate classification (germline): Uncertain significance. Review status: criteria provided, multiple submitters, no conflicts (2 of 4 stars). 4 submissions from 4 submitters: Uncertain significance (4). Last evaluated 2025-10-01.

Conditions:
Inborn genetic diseases. Identifiers: MedGen C0950123, MeSH D030342.
Hereditary spastic paraplegia 39 (SPG39). Also called: Spastic Paraplegia Type 39 (SPG39); SPASTIC PARAPLEGIA 39, AUTOSOMAL RECESSIVE. Identifiers: Orphanet 139480, MedGen C2677586, MONDO:0012787, OMIM 612020.

Allele frequency attached by ClinVar (database versions not stated): ExAC 0.00006; gnomAD exomes 0.00006 and 0.00012; TOPMed 0.00009; gnomAD 0.00012 and 0.00013.
gnomAD v4.1: 189 of 1,592,202 alleles (0.012%); highest among the groups gnomAD compares: Non-Finnish European, 0.015%; no homozygotes.

Submissions (4):

CeGaT Center for Human Genetics Tuebingen
Classification: Uncertain significance. Last evaluated: 2025-10-01. Review status: criteria provided, single submitter. Criteria: CeGaT Center For Human Genetics Tuebingen Variant Classification Criteria Version 2. Collection method: clinical testing. Allele origin: germline. Affected: yes. Observed: 2 variant alleles.
Comment: PNPLA6: PM2

Mayo Clinic Laboratories, Mayo Clinic
Classification: Uncertain significance. Last evaluated: 2025-06-04. Review status: criteria provided, single submitter. Criteria: ACMG Guidelines, 2015. Collection method: clinical testing. Allele origin: germline. Observed: 1 variant allele.
Comment: BP4_moderate

Ambry Genetics
Classification: Uncertain significance for Inborn genetic diseases. Last evaluated: 2024-04-17. Review status: criteria provided, single submitter. Criteria: Ambry Variant Classification Scheme 2023. Collection method: clinical testing. Allele origin: germline.

Labcorp Genetics (formerly Invitae), Labcorp
Classification: Uncertain significance for Hereditary spastic paraplegia 39. Last evaluated: 2024-01-03. Review status: criteria provided, single submitter. Criteria: Invitae Variant Classification Sherloc (09022015). Collection method: clinical testing. Allele origin: germline.
Comment: This sequence change replaces alanine, which is neutral and non-polar, with proline, which is neutral and non-polar, at codon 327 of the PNPLA6 protein (p.Ala327Pro). This variant is present in population databases (rs533164657, gnomAD 0.01%). This variant has not been reported in the literature in individuals affected with PNPLA6-related conditions. ClinVar contains an entry for this variant (Variation ID: 954647). Advanced modeling of protein sequence and biophysical properties (such as structural, functional, and spatial information, amino acid conservation, physicochemical variation, residue mobility, and thermodynamic stability) performed at Invitae indicates that this missense variant is not expected to disrupt PNPLA6 protein function with a negative predictive value of 95%. In summary, the available evidence is currently insufficient to determine the role of this variant in disease. Therefore, it has been classified as a Variant of Uncertain Significance.